The following is an entry in ClinVar:

ClinVar aggregate classification (germline): Conflicting classifications of pathogenicity. Review status: criteria provided, conflicting classifications (1 of 4 stars). 2 submissions from 2 submitters: Likely pathogenic (1); Uncertain significance (1). Last evaluated 2025-04-27.

Conditions:
CSF2RB-related disorder. Also called: CSF2RB-related condition.

Allele frequency attached by ClinVar (database versions not stated): gnomAD exomes below 0.00001; gnomAD 0.00001.
gnomAD v4.1: 3 of 1,613,992 alleles (0.00019%); highest among the groups gnomAD compares: Non-Finnish European, 0.00025%; no homozygotes.

Submissions (2):

Labcorp Genetics (formerly Invitae), Labcorp
Classification: Uncertain significance. Last evaluated: 2025-04-27. Review status: criteria provided, single submitter. Criteria: Invitae Variant Classification Sherloc (09022015). Collection method: clinical testing. Allele origin: germline.
Comment: This sequence change creates a premature translational stop signal (p.Arg364*) in the CSF2RB gene. It is expected to result in an absent or disrupted protein product. However, the current clinical and genetic evidence is not sufficient to establish whether loss-of-function variants in CSF2RB cause disease. This variant is not present in population databases (gnomAD no frequency). This variant has not been reported in the literature in individuals affected with CSF2RB-related conditions. ClinVar contains an entry for this variant (Variation ID: 2635689). In summary, the available evidence is currently insufficient to determine the role of this variant in disease. Therefore, it has been classified as a Variant of Uncertain Significance.

PreventionGenetics, part of Exact Sciences
Classification: Likely pathogenic for CSF2RB-related condition. Last evaluated: 2023-04-26. Review status: criteria provided, single submitter. Criteria: ACMG Guidelines, 2015. Collection method: clinical testing. Allele origin: germline.
Comment: The CSF2RB c.1090C>T variant is predicted to result in premature protein termination (p.Arg364*). To our knowledge, this variant has not been reported in the literature or in a large population database, indicating this variant is rare. Nonsense variants in CSF2RB are expected to be pathogenic. This variant is interpreted as likely pathogenic.

NM_000395.3(CSF2RB):c.1090C>T (p.Arg364Ter)

Gene: CSF2RB (colony stimulating factor 2 receptor subunit beta; plus strand). Cytogenetic location: 22q12.3.
Variant type: single nucleotide variant.
Coding change: c.1090C>T on transcript NM_000395.3 (MANE Select); coding-DNA position 1090, C replaced by T.
Protein change: p.Arg364Ter; replaces arginine 364 with a stop codon.
Molecular consequence: nonsense.
Genome position (GRCh38, 1-based): chr22:36,932,842, C>T. VCF-style: chr22-36932842-C-T. GRCh37 (hg19) VCF-style: chr22-37328884-C-T.
Other names: c.1108C>T, p.Arg370Ter (NM_001410827.1); short protein forms R364*, R370*.
Identifiers: ClinVar variation 2635689 (VCV002635689.2), dbSNP rs769513501, ClinGen allele CA411408644.